The following is an entry in ClinVar:

NM_002691.4(POLD1):c.2155-3C>G

Gene: POLD1 (DNA polymerase delta 1, catalytic subunit; plus strand). Cytogenetic location: 19q13.33.
Variant type: single nucleotide variant.
Coding change: c.2155-3C>G on transcript NM_002691.4 (MANE Select); 3 bases into the intron before coding-DNA position 2155, C replaced by G.
Molecular consequence: intron variant.
Genome position (GRCh38, 1-based): chr19:50,413,423, C>G. VCF-style: chr19-50413423-C-G. GRCh37 (hg19) VCF-style: chr19-50916680-C-G.
Other names: c.2155-3C>G (NM_001256849.1); c.2233-3C>G (NM_001308632.1).
Identifiers: ClinVar variation 941618 (VCV000941618.9), dbSNP rs2039156543, ClinGen allele CA1139666560.
Genomic context (GRCh38, chr19:50,413,423, plus strand): 5'-CCGGCCCACGTTCACTGCACATGGCCCCCAGGGCTTCACTCCGCATGATTCTCTCCCCGA[C>G]AGAGCGTCACGGGGTTCGGACGTCAGATGATCGAGAAAACCAAGCAGCTGGTGGAGTCTA-3'

ClinVar aggregate classification (germline): Uncertain significance (1 of 4 stars; one submission).

Conditions:
POLD1-related polyposis and colorectal cancer syndrome (CRCS10). Also called: Colorectal cancer 10; COLORECTAL CANCER, SUSCEPTIBILITY TO, ON CHROMOSOME 19q; Colorectal cancer, susceptibility to, 10. Identifiers: Orphanet 220460, MedGen C2675481, MONDO:0012953, OMIM 612591.

Submission:

Labcorp Genetics (formerly Invitae), Labcorp
Classification: Uncertain significance for POLD1-related polyposis and colorectal cancer syndrome. Last evaluated: 2023-03-22. Review status: criteria provided, single submitter. Criteria: Invitae Variant Classification Sherloc (09022015). Collection method: clinical testing. Allele origin: germline.
Comment: This sequence change falls in intron 17 of the POLD1 gene. It does not directly change the encoded amino acid sequence of the POLD1 protein. It affects a nucleotide within the consensus splice site. This variant is not present in population databases (gnomAD no frequency). This variant has not been reported in the literature in individuals affected with POLD1-related conditions. ClinVar contains an entry for this variant (Variation ID: 941618). Variants that disrupt the consensus splice site are a relatively common cause of aberrant splicing (PMID: 17576681, 9536098). Studies have shown that this variant is associated with altered splicing resulting in multiple RNA products (Invitae). In summary, the available evidence is currently insufficient to determine the role of this variant in disease. Therefore, it has been classified as a Variant of Uncertain Significance.

Literature cited by the submitters: PubMed 17576681; PubMed 9536098.